The following is an entry in ClinVar:

NM_001369.3(DNAH5):c.655G>T (p.Glu219Ter)

Gene: DNAH5 (dynein axonemal heavy chain 5; minus strand). Cytogenetic location: 5p15.2.
Variant type: single nucleotide variant.
Coding change: c.655G>T on transcript NM_001369.3 (MANE Select); coding-DNA position 655, G replaced by T.
Protein change: p.Glu219Ter; replaces glutamic acid 219 with a stop codon.
Molecular consequence: nonsense.
Genome position (GRCh38, 1-based): chr5:13,922,112, C>A on the plus strand (G>T on the coding strand, the complement: DNAH5 is on the minus strand). VCF-style: chr5-13922112-C-A. GRCh37 (hg19) VCF-style: chr5-13922221-C-A.
Other names: short protein forms E219*.
Identifiers: ClinVar variation 2076380 (VCV002076380.5), dbSNP rs2547155385, ClinGen allele CA359222007.
Genomic context (GRCh38, chr5:13,922,112, plus strand): 5'-ACTGTGCTTGTTGACCACCTGATCATTTTTAAAGGAACAGCTTATTCGTCCTCACCTTCT[C>A]CTTCAGACTCTCCTGTGCACCCGACAGGACGTTCACAAAGCCTTCCAGGGAGCTCAAGAA-3'

ClinVar aggregate classification (germline): Pathogenic (1 of 4 stars; one submission).

Conditions:
Primary ciliary dyskinesia. Also called: Ciliary dyskinesia. Identifiers: Orphanet 244, MedGen C0008780, MONDO:0016575, HP:0012265.

Allele frequency attached by ClinVar (database versions not stated): gnomAD exomes below 0.00001.
gnomAD v4.1: 1 of 1,614,020 alleles (0.000062%); highest among the groups gnomAD compares: Non-Finnish European, 0.000085%; no homozygotes.

Submission:

Labcorp Genetics (formerly Invitae), Labcorp
Classification: Pathogenic for Primary ciliary dyskinesia. Last evaluated: 2022-01-06. Review status: criteria provided, single submitter. Criteria: Invitae Variant Classification Sherloc (09022015). Collection method: clinical testing. Allele origin: germline.
Comment: This sequence change creates a premature translational stop signal (p.Glu219*) in the DNAH5 gene. It is expected to result in an absent or disrupted protein product. Loss-of-function variants in DNAH5 are known to be pathogenic (PMID: 11788826, 16627867). This variant is not present in population databases (gnomAD no frequency). This variant has not been reported in the literature in individuals affected with DNAH5-related conditions. For these reasons, this variant has been classified as Pathogenic.

Literature cited by the submitters: PubMed 11788826; PubMed 16627867.